The following is an entry in ClinVar:

NM_003865.3(HESX1):c.384A>C (p.Arg128Ser)

Gene: HESX1 (HESX homeobox 1; minus strand). Cytogenetic location: 3p14.3.
Variant type: single nucleotide variant.
Coding change: c.384A>C on transcript NM_003865.3 (MANE Select); coding-DNA position 384, A replaced by C.
Protein change: p.Arg128Ser; replaces arginine 128 with serine.
Molecular consequence: missense variant. On other transcripts: non-coding transcript variant (1).
Genome position (GRCh38, 1-based): chr3:57,198,466, T>G on the plus strand (A>C on the coding strand, the complement: HESX1 is on the minus strand). VCF-style: chr3-57198466-T-G. GRCh37 (hg19) VCF-style: chr3-57232494-T-G.
Other names: c.384A>C, p.Arg128Ser (NM_001376058.1, NM_001376059.1, NM_001376060.1 and 1 more transcripts); short protein forms R128S.
Identifiers: ClinVar variation 3340984 (VCV003340984.1).

ClinVar aggregate classification (germline): Uncertain significance (1 of 4 stars; one submission).

gnomAD v4.1: 2 of 1,600,294 alleles (0.00012%); highest among the groups gnomAD compares: Non-Finnish European, 0.00017%; no homozygotes.

Submission:

GeneDx
Classification: Uncertain significance. Last evaluated: 2024-03-14. Review status: criteria provided, single submitter. Criteria: GeneDx Variant Classification Process June 2021. Collection method: clinical testing. Allele origin: germline. Affected: yes.
Comment: Not observed at significant frequency in large population cohorts (gnomAD); In silico analysis supports that this missense variant does not alter protein structure/function; Has not been previously published as pathogenic or benign to our knowledge